The following is an entry in ClinVar:

NM_001164508.2(NEB):c.23102A>G (p.Lys7701Arg)

Genes: NEB (nebulin; minus strand), RIF1 (replication timing regulatory factor 1; plus strand). Cytogenetic location: 2q23.3.
Variant type: single nucleotide variant.
Coding change: c.23102A>G on transcript NM_001164508.2 (MANE Select); coding-DNA position 23102, A replaced by G.
Protein change: p.Lys7701Arg; replaces lysine 7701 with arginine.
Molecular consequence: missense variant.
Genome position (GRCh38, 1-based): chr2:151,514,343, T>C on the plus strand (A>G on the coding strand, the complement: NEB is on the minus strand). VCF-style: chr2-151514343-T-C. GRCh37 (hg19) VCF-style: chr2-152370857-T-C.
Other names: c.23102A>G, p.Lys7701Arg (NM_001164507.2); c.23207A>G, p.Lys7736Arg (NM_001271208.2); c.17999A>G, p.Lys6000Arg (NM_004543.5); short protein forms K7701R, K6000R, K7736R.
Identifiers: ClinVar variation 2133242 (VCV002133242.1), dbSNP rs1287786160, ClinGen allele CA348752687.

ClinVar aggregate classification (germline): Uncertain significance (1 of 4 stars; one submission).

Conditions:
Nemaline myopathy 2 (NEM2). Also called: Nemaline myopathy 2, autosomal recessive. Identifiers: MedGen C1850569, MONDO:0009725, OMIM 256030.

gnomAD v4.1: 2 of 1,613,470 alleles (0.00012%); highest among the groups gnomAD compares: Non-Finnish European, 0.00017%; no homozygotes.

Submission:

Labcorp Genetics (formerly Invitae), Labcorp
Classification: Uncertain significance for Nemaline myopathy 2. Last evaluated: 2022-05-03. Review status: criteria provided, single submitter. Criteria: Invitae Variant Classification Sherloc (09022015). Collection method: clinical testing. Allele origin: germline.
Comment: This sequence change replaces lysine, which is basic and polar, with arginine, which is basic and polar, at codon 7736 of the NEB protein (p.Lys7736Arg). This variant is not present in population databases (gnomAD no frequency). This variant has not been reported in the literature in individuals affected with NEB-related conditions. Algorithms developed to predict the effect of missense changes on protein structure and function are either unavailable or do not agree on the potential impact of this missense change (SIFT: "Deleterious"; PolyPhen-2: "Not Available"; Align-GVGD: "Class C0"). In summary, the available evidence is currently insufficient to determine the role of this variant in disease. Therefore, it has been classified as a Variant of Uncertain Significance.